The following is an entry in ClinVar:

NM_000059.4(BRCA2):c.316+1G>A

Gene: BRCA2 (BRCA2 DNA repair associated; plus strand). Cytogenetic location: 13q13.1.
Variant type: single nucleotide variant.
Coding change: c.316+1G>A on transcript NM_000059.4 (MANE Select); the canonical splice donor site of the intron after coding-DNA position 316, G replaced by A.
Molecular consequence: splice donor variant.
Genome position (GRCh38, 1-based): chr13:32,319,326, G>A. VCF-style: chr13-32319326-G-A. GRCh37 (hg19) VCF-style: chr13-32893463-G-A.
Other names: IVS3+1G>A; c.316+1G>A (NM_001406720.1, NM_001406719.1, NM_001406721.1); c.-54+1G>A (NM_001406722.1).
Identifiers: ClinVar variation 37822 (VCV000037822.19), dbSNP rs397507303, ClinGen allele CA017358.
Genomic context (GRCh38, chr13:32,319,326, plus strand): 5'-TGACTCTGCCGCTGTACCAATCTCCTGTAAAAGAATTAGATAAATTCAAATTAGACTTAG[G>A]TAAGTAATGCAATATGGTAGACTGGGGAGAACTACAAACTAGGAATTTAGGCAAACCTGT-3'

ClinVar aggregate classification (germline): Pathogenic/Likely pathogenic. Review status: criteria provided, multiple submitters, no conflicts (2 of 4 stars). 5 submissions from 5 submitters: Pathogenic (2); Likely pathogenic (2). 1 of the submissions does not count toward it. Last evaluated 2026-08-13.

Conditions:
Hereditary cancer-predisposing syndrome. Also called: Tumor predisposition; Hereditary Cancer Syndrome; Hereditary neoplastic syndrome; Neoplastic Syndromes, Hereditary. Identifiers: Orphanet 140162, MedGen C0027672, MeSH D009386, MONDO:0015356.
Hereditary breast ovarian cancer syndrome. Also called: Hereditary breast and ovarian cancer; Breast and ovarian cancer; BRCA1- and BRCA2-Associated Hereditary Breast and Ovarian Cancer; Hereditary breast and/or ovarian cancer syndrome; Hereditary breast and ovarian cancer syndrome (HBOC); Hereditary breast and ovarian cancer syndrome. Identifiers: Orphanet 145, MedGen C0677776, MeSH D061325, MONDO:0003582. Disease mechanism: loss of function.
Breast-ovarian cancer, familial, susceptibility to, 2 (BROVCA2). Also called: BRCA2 Hereditary Breast and Ovarian Cancer. Identifiers: Orphanet 145, MedGen C2675520, MONDO:0012933, OMIM 612555. Disease mechanism: loss of function.

Submissions (5):

Ambry Genetics
Classification: Likely pathogenic for Hereditary cancer-predisposing syndrome. Last evaluated: 2026-08-13. Review status: criteria provided, single submitter. Criteria: Ambry Variant Classification Scheme 2023. Collection method: clinical testing. Allele origin: germline.
Comment: The c.316+1G>A intronic variant results from a G to A substitution one nucleotide after coding exon 2 of the BRCA2 gene. Alterations that disrupt the canonical splice site are expected to result in aberrant splicing. In silico splice site analysis predicts that this alteration will weaken the native splice donor site; however, direct evidence is insufficient at this time (Ambry internal data). Other RNA studies have demonstrated that this variant results in abnormal splicing in the set of samples tested (Tubeuf H et al. Cancer Res, 2020 Sep;80:3593-3605). The resulting transcript is predicted to be in-frame and is not expected to trigger nonsense-mediated mRNA decay; however, direct evidence is unavailable. The exact functional effect of the altered amino acid sequence is unknown; however, the impacted region is critical for protein function (Ambry internal data). This variant is considered to be rare based on population cohorts in the Genome Aggregation Database (gnomAD). This nucleotide position is well conserved in available vertebrate species. Based on the majority of available evidence to date, this variant is likely to be pathogenic.

Labcorp Genetics (formerly Invitae), Labcorp
Classification: Pathogenic for Hereditary breast ovarian cancer syndrome. Last evaluated: 2025-06-16. Review status: criteria provided, single submitter. Criteria: Invitae Variant Classification Sherloc (09022015). Collection method: clinical testing. Allele origin: germline.
Comment: This sequence change affects a donor splice site in intron 3 of the BRCA2 gene. RNA analysis indicates that disruption of this splice site induces altered splicing and likely results in a shortened protein product. This variant is not present in population databases (gnomAD no frequency). Disruption of this splice site has been observed in individual(s) with breast cancer (PMID: 29707112, 32091409). ClinVar contains an entry for this variant (Variation ID: 37822). Studies have shown that disruption of this splice site results in skipping of exon 3, but is expected to preserve the integrity of the reading-frame (PMID: 32641407; internal data). This variant disrupts a region of the BRCA2 protein in which other variant(s) (p.Trp31Cys) have been determined to be pathogenic (PMID: 16793542, 20215541, 22194698, 22678057, 24285729). This suggests that this is a clinically significant region of the protein, and that variants that disrupt it are likely to be disease-causing. For these reasons, this variant has been classified as Pathogenic.

Color Diagnostics, LLC DBA Color Health
Classification: Likely pathogenic for Hereditary cancer-predisposing syndrome. Last evaluated: 2021-04-20. Review status: criteria provided, single submitter. Criteria: ACMG Guidelines, 2015. Collection method: clinical testing. Allele origin: germline.
Comment: This variant causes a G to A nucleotide substitution at the +1 position of intron 3 splice donor site of the BRCA2 gene. Splice site prediction tools predict that this variant may have a significant impact on RNA splicing. Although functional studies have not been reported this variant, it is expected to impair RNA splicing and protein function. This variant has been reported in one individual each affected with breast cancer (PMID: 32091409) and pancreatic cancer (PMID: 32980694). This variant has not been identified in the general population by the Genome Aggregation Database (gnomAD). Multiple different variants affecting the same splice donor site have been shown to cause in-frame skipping of exon 3 and confer high risk of breast and/or ovarian cancer (PMID: 29707112). Loss of BRCA2 function is a known mechanism of disease. Based on the available evidence, this variant is classified as Likely Pathogenic.

Consortium of Investigators of Modifiers of BRCA1/2 (CIMBA), c/o University of Cambridge
Classification: Pathogenic for Breast-ovarian cancer, familial, susceptibility to, 2. Last evaluated: 2015-10-02. Review status: criteria provided, single submitter. Criteria: CIMBA Mutation Classification guidelines May 2016. Collection method: clinical testing. Allele origin: germline.

Sharing Clinical Reports Project (SCRP)
Classification: Pathogenic for Breast-ovarian cancer, familial 2. Last evaluated: 2009-01-22. Review status: no assertion criteria provided. Collection method: clinical testing. Allele origin: germline. Not counted in ClinVar's aggregate classification.

Literature cited by the submitters: PubMed 32641407 (cited by Ambry Genetics and Labcorp Genetics (formerly Invitae), Labcorp); PubMed 29707112 (cited by Labcorp Genetics (formerly Invitae), Labcorp); PubMed 32091409 (cited by Labcorp Genetics (formerly Invitae), Labcorp); PubMed 16793542 (cited by Labcorp Genetics (formerly Invitae), Labcorp); PubMed 20215541 (cited by Labcorp Genetics (formerly Invitae), Labcorp); PubMed 22194698 (cited by Labcorp Genetics (formerly Invitae), Labcorp); PubMed 22678057 (cited by Labcorp Genetics (formerly Invitae), Labcorp); PubMed 24285729 (cited by Labcorp Genetics (formerly Invitae), Labcorp).